The following is an entry in ClinVar:

ClinVar aggregate classification (germline): Likely benign (1 of 4 stars; one submission).

Conditions:
Catecholaminergic polymorphic ventricular tachycardia (CVPT). Also called: Catecholamine-induced polymorphic ventricular tachycardia. Identifiers: Orphanet 3286, MedGen C5574922, MONDO:0017990.

Submission:

All of Us Research Program, National Institutes of Health
Classification: Likely benign for Catecholaminergic polymorphic ventricular tachycardia. Last evaluated: 2023-12-13. Review status: criteria provided, single submitter. Criteria: ACMG Guidelines, 2015. Collection method: clinical testing. Allele origin: germline. Inheritance: Autosomal dominant inheritance. Observed: 1 variant allele, 1 heterozygote.
Comment: This study involves interpretation of variants in research participants for the purpose of population health screening. Participant phenotype was not available at the time of variant classification. Additional details can be found in publication PMID: 35346344, PMCID: PMC8962531

NM_001035.3(RYR2):c.1089A>T (p.Ile363=)

Gene: RYR2 (ryanodine receptor 2; plus strand). Cytogenetic location: 1q43.
Variant type: single nucleotide variant.
Coding change: c.1089A>T on transcript NM_001035.3 (MANE Select); coding-DNA position 1089, A replaced by T.
Protein change: p.Ile363=; no amino-acid change (isoleucine 363 retained).
Molecular consequence: synonymous variant.
Genome position (GRCh38, 1-based): chr1:237,441,402, A>T. VCF-style: chr1-237441402-A-T. GRCh37 (hg19) VCF-style: chr1-237604702-A-T.
Identifiers: ClinVar variation 3074898 (VCV003074898.1), dbSNP rs1327066117, ClinGen allele CA423811627.